The following is an entry in ClinVar:

NM_207352.4(CYP4V2):c.152C>T (p.Pro51Leu)

Gene: CYP4V2 (cytochrome P450 family 4 subfamily V member 2; plus strand). Cytogenetic location: 4q35.1.
Variant type: single nucleotide variant.
Coding change: c.152C>T on transcript NM_207352.4 (MANE Select); coding-DNA position 152, C replaced by T.
Protein change: p.Pro51Leu; replaces proline 51 with leucine.
Molecular consequence: missense variant.
Genome position (GRCh38, 1-based): chr4:186,191,975, C>T. VCF-style: chr4-186191975-C-T. GRCh37 (hg19) VCF-style: chr4-187113129-C-T.
Other names: short protein forms P51L.
Identifiers: ClinVar variation 3027684 (VCV003027684.2), dbSNP rs933349743, ClinGen allele CA358946663.

ClinVar aggregate classification (germline): Uncertain significance. Review status: criteria provided, multiple submitters, no conflicts (2 of 4 stars). 2 submissions from 2 submitters: Uncertain significance (2). Last evaluated 2025-02-05.

Conditions:
Retinal dystrophy. Also called: Inherited retinal dystrophy. Identifiers: Orphanet 71862, MedGen C0854723, MeSH D058499, MONDO:0019118, HP:0000556.

Allele frequency attached by ClinVar (database versions not stated): gnomAD exomes 0.00001.
gnomAD v4.1: 8 of 1,585,478 alleles (0.0005%); highest among the groups gnomAD compares: Non-Finnish European, 0.00068%; no homozygotes.

Submissions (2):

Labcorp Genetics (formerly Invitae), Labcorp
Classification: Uncertain significance. Last evaluated: 2025-02-05. Review status: criteria provided, single submitter. Criteria: Invitae Variant Classification Sherloc (09022015). Collection method: clinical testing. Allele origin: germline.
Comment: This sequence change replaces proline, which is neutral and non-polar, with leucine, which is neutral and non-polar, at codon 51 of the CYP4V2 protein (p.Pro51Leu). This variant is not present in population databases (gnomAD no frequency). This variant has not been reported in the literature in individuals affected with CYP4V2-related conditions. ClinVar contains an entry for this variant (Variation ID: 3027684). Invitae Evidence Modeling of protein sequence and biophysical properties (such as structural, functional, and spatial information, amino acid conservation, physicochemical variation, residue mobility, and thermodynamic stability) has been performed for this missense variant. However, the output from this modeling did not meet the statistical confidence thresholds required to predict the impact of this variant on CYP4V2 protein function. In summary, the available evidence is currently insufficient to determine the role of this variant in disease. Therefore, it has been classified as a Variant of Uncertain Significance.

Dept Of Ophthalmology, Nagoya University
Classification: Uncertain significance for Retinal dystrophy. Last evaluated: 2023-10-01. Review status: criteria provided, single submitter. Criteria: Submitter's publication. Collection method: research. Allele origin: germline. Affected: yes.